The following is an entry in ClinVar:

ClinVar aggregate classification (germline): Uncertain significance. Review status: criteria provided, multiple submitters, no conflicts (2 of 4 stars). 6 submissions from 6 submitters: Uncertain significance (5). 1 of the submissions does not count toward it. Last evaluated 2025-08-19.

Conditions:
Fanconi anemia (FA). Also called: Fanconi's anemia. Identifiers: Orphanet 84, MedGen C0015625, MeSH D005199, MONDO:0019391.
Fanconi anemia complementation group A (FANCA). Also called: FANCA-Related Fanconi Anemia; Fanconi anemia, group A. Identifiers: Orphanet 84, MedGen C3469521, MONDO:0009215, OMIM 227650.

Allele frequency attached by ClinVar (database versions not stated): gnomAD exomes 0.00002 and 0.00004; ExAC 0.00003; gnomAD 0.00004; TOPMed 0.00005; ESP Exome Variant Server 0.00015.
gnomAD v4.1: 33 of 1,606,348 alleles (0.0021%); highest among the groups gnomAD compares: Admixed American, 0.012%; no homozygotes.

Submissions (6):

Quest Diagnostics Nichols Institute San Juan Capistrano
Classification: Uncertain significance. Last evaluated: 2025-08-19. Review status: criteria provided, single submitter. Criteria: Quest Diagnostics criteria. Collection method: clinical testing. Allele origin: unknown.
Comment: The FANCA c.2507T>A (p.Phe836Tyr) variant has been reported in the published literature in an individual with myeloid neoplasm (PMID: 33850299 (2021)). The frequency of this variant in the general population (Genome Aggregation Database) is uninformative in the assessment of its pathogenicity. Analysis of this variant using bioinformatics tools for the prediction of the effect of amino acid changes on protein structure and function yielded conflicting predictions that this variant is benign or damaging. Based on the available information, we are unable to determine the clinical significance of this variant.

Blueprint Genetics
Classification: Uncertain significance. Last evaluated: 2024-11-13. Review status: criteria provided, single submitter. Criteria: ACMG Guidelines, 2015. Collection method: clinical testing. Allele origin: germline.

St. Jude Molecular Pathology, St. Jude Children's Research Hospital
Classification: Uncertain significance for Fanconi anemia complementation group A. Last evaluated: 2024-05-07. Review status: criteria provided, single submitter. Criteria: St. Jude Assertion Criteria 2020. Collection method: clinical testing. Allele origin: germline.
Comment: The FANCA c.2507T>A (p.Phe836Tyr) missense change has a maximum subpopulation frequency of 0.011% in gnomAD v2.1.1. The in silico tool REVEL predicts a deleterious effect on protein function, but to our knowledge this prediction has not been confirmed by functional studies. To our knowledge, this variant has not been reported in individuals with Fanconi anemia. In summary, the evidence currently available is insufficient to determine the clinical significance of this variant. It has therefore been classified as of uncertain significance.

Labcorp Genetics (formerly Invitae), Labcorp
Classification: Uncertain significance for Fanconi anemia. Last evaluated: 2024-01-27. Review status: criteria provided, single submitter. Criteria: Invitae Variant Classification Sherloc (09022015). Collection method: clinical testing. Allele origin: germline.
Comment: This sequence change replaces phenylalanine, which is neutral and non-polar, with tyrosine, which is neutral and polar, at codon 836 of the FANCA protein (p.Phe836Tyr). This variant is present in population databases (rs142869950, gnomAD 0.01%). This variant has not been reported in the literature in individuals affected with FANCA-related conditions. ClinVar contains an entry for this variant (Variation ID: 566130). An algorithm developed to predict the effect of missense changes on protein structure and function (PolyPhen-2) suggests that this variant¬†is likely to be tolerated. In summary, the available evidence is currently insufficient to determine the role of this variant in disease. Therefore, it has been classified as a Variant of Uncertain Significance.

Fulgent Genetics
Classification: Uncertain significance for Fanconi anemia complementation group A. Last evaluated: 2024-01-11. Review status: criteria provided, single submitter. Criteria: ACMG Guidelines, 2015. Collection method: clinical testing. Allele origin: germline.

Natera, Inc.
Classification: Uncertain significance for Fanconi anemia. Last evaluated: 2020-01-16. Review status: no assertion criteria provided. Collection method: clinical testing. Allele origin: germline. Not counted in ClinVar's aggregate classification.

Literature cited by the submitters: PubMed 32235514 (cited by Quest Diagnostics Nichols Institute San Juan Capistrano); PubMed 35884425 (cited by Quest Diagnostics Nichols Institute San Juan Capistrano); PubMed 33850299 (cited by Quest Diagnostics Nichols Institute San Juan Capistrano).

NM_000135.4(FANCA):c.2507T>A (p.Phe836Tyr)

Gene: FANCA (FA complementation group A; minus strand). Cytogenetic location: 16q24.3.
Variant type: single nucleotide variant.
Coding change: c.2507T>A on transcript NM_000135.4 (MANE Select); coding-DNA position 2507, T replaced by A.
Protein change: p.Phe836Tyr; replaces phenylalanine 836 with tyrosine.
Molecular consequence: missense variant.
Genome position (GRCh38, 1-based): chr16:89,767,235, A>T on the plus strand (T>A on the coding strand, the complement: FANCA is on the minus strand). VCF-style: chr16-89767235-A-T. GRCh37 (hg19) VCF-style: chr16-89833643-A-T.
Other names: c.2507T>A (LRG_495t1, NM_000135.3); c.2507T>A, p.Phe836Tyr (NM_001286167.3); short protein forms F836Y.
Identifiers: ClinVar variation 566130 (VCV000566130.15), dbSNP rs142869950, ClinGen allele CA8251685.